The following is an entry in ClinVar:

NM_006031.6(PCNT):c.7024+1G>A

Gene: PCNT (pericentrin; plus strand). Cytogenetic location: 21q22.3.
Variant type: single nucleotide variant.
Coding change: c.7024+1G>A on transcript NM_006031.6 (MANE Select); the canonical splice donor site of the intron after coding-DNA position 7024, G replaced by A.
Molecular consequence: splice donor variant.
Genome position (GRCh38, 1-based): chr21:46,418,307, G>A. VCF-style: chr21-46418307-G-A. GRCh37 (hg19) VCF-style: chr21-47838221-G-A.
Other names: c.6670+1G>A (NM_001315529.2); c.7024+1G>A (NM_006031.5).
Identifiers: ClinVar variation 2893137 (VCV002893137.5), dbSNP rs774148938, ClinGen allele CA10080485.

ClinVar aggregate classification (germline): Likely pathogenic. Review status: criteria provided, multiple submitters, no conflicts (2 of 4 stars). 3 submissions from 3 submitters: Likely pathogenic (3). Last evaluated 2026-05-26.

Conditions:
PCNT-related disorder. Also called: PCNT-related condition.

Allele frequency attached by ClinVar (database versions not stated): ExAC 0.00001.
gnomAD v4.1: 19 of 1,516,894 alleles (0.0013%); highest among the groups gnomAD compares: Non-Finnish European, 0.0016%; no homozygotes.

Submissions (3):

PreventionGenetics, part of Exact Sciences
Classification: Likely pathogenic for PCNT-related condition. Last evaluated: 2026-05-26. Review status: criteria provided, single submitter. Criteria: ACMG Guidelines, 2015. Collection method: clinical testing. Allele origin: germline.
Comment: The PCNT c.7024+1G>A variant is predicted to disrupt the GT donor site and interfere with normal splicing. To our knowledge, this variant has not been reported in the literature. This variant is reported in 0.0040% of alleles in individuals of African descent in gnomAD. Variants that disrupt the consensus splice donor site in PCNT are expected to be pathogenic. This variant is interpreted as likely pathogenic.

Labcorp Genetics (formerly Invitae), Labcorp
Classification: Likely pathogenic. Last evaluated: 2024-01-03. Review status: criteria provided, single submitter. Criteria: Invitae Variant Classification Sherloc (09022015). Collection method: clinical testing. Allele origin: germline.
Comment: This sequence change affects a donor splice site in intron 31 of the PCNT gene. It is expected to disrupt RNA splicing. Variants that disrupt the donor or acceptor splice site typically lead to a loss of protein function (PMID: 16199547), and loss-of-function variants in PCNT are known to be pathogenic (PMID: 18174396, 22821869). The frequency data for this variant in the population databases is considered unreliable, as metrics indicate poor data quality at this position in the gnomAD database. This variant has not been reported in the literature in individuals affected with PCNT-related conditions. Algorithms developed to predict the effect of sequence changes on RNA splicing suggest that this variant may disrupt the consensus splice site. In summary, the currently available evidence indicates that the variant is pathogenic, but additional data are needed to prove that conclusively. Therefore, this variant has been classified as Likely Pathogenic.

Blueprint Genetics
Classification: Likely pathogenic for PCNT-related disorders. Last evaluated: 2022-01-05. Review status: criteria provided, single submitter. Criteria: ACMG Guidelines, 2015. Collection method: clinical testing. Allele origin: germline. Affected: yes. Observed: 1 variant allele.

Literature cited by the submitters: PubMed 16199547 (cited by Labcorp Genetics (formerly Invitae), Labcorp); PubMed 18174396 (cited by Labcorp Genetics (formerly Invitae), Labcorp); PubMed 22821869 (cited by Labcorp Genetics (formerly Invitae), Labcorp).